The following is an entry in ClinVar:

NM_001614.5(ACTG1):c.366T>C (p.Ile122=)

Gene: ACTG1 (actin gamma 1; minus strand). Cytogenetic location: 17q25.3.
Variant type: single nucleotide variant.
Coding change: c.366T>C on transcript NM_001614.5 (MANE Select); coding-DNA position 366, T replaced by C.
Protein change: p.Ile122=; no amino-acid change (isoleucine 122 retained).
Molecular consequence: synonymous variant. On other transcripts: non-coding transcript variant (1).
Genome position (GRCh38, 1-based): chr17:81,511,624, A>G on the plus strand (T>C on the coding strand, the complement: ACTG1 is on the minus strand). VCF-style: chr17-81511624-A-G. GRCh37 (hg19) VCF-style: chr17-79478650-A-G.
Other names: c.366T>C, p.Ile122= (NM_001199954.3).
Identifiers: ClinVar variation 3041211 (VCV003041211.3), dbSNP rs199507088, ClinGen allele CA8836092.
Genomic context (GRCh38, chr17:81,511,624, plus strand): 5'-GAGGGACAGCACGGCCTGGATGGCCACGTACATGGCCGGGGTGTTGAAGGTCTCAAACAT[A>G]ATCTGAGAAGGGACAAGGGGCGGCTTAGTCAGGGACAGAGACCCACGGCCACCCCATGCT-3'
Protein context (NP_001605.1, residues 112-132): PKANREKMTQ[Ile122=]MFETFNTPAM

ClinVar aggregate classification (germline): Likely benign. Review status: criteria provided, single submitter (1 of 4 stars). 2 submissions from 2 submitters: Likely benign (1). 1 of the submissions does not count toward it. Last evaluated 2025-08-10.

Conditions:
ACTG1-related disorder. Also called: ACTG1-related disorders; ACTG1-related condition.
Autosomal dominant nonsyndromic hearing loss 20. Identifiers: Orphanet 90635, MedGen C1858172, MONDO:0011480, OMIM 604717.
Baraitser-winter syndrome 2. Identifiers: Orphanet 2995, MedGen C3281235, MONDO:0013812, OMIM 614583.

Allele frequency attached by ClinVar (database versions not stated): TOPMed 0.00001; gnomAD 0.00002; ExAC 0.00007; 1000 Genomes Project 30x 0.00016; 1000 Genomes Project 0.00020.

Submissions (2):

Labcorp Genetics (formerly Invitae), Labcorp
Classification: Likely benign for Baraitser-winter syndrome 2; Autosomal dominant nonsyndromic hearing loss 20. Last evaluated: 2025-08-10. Review status: criteria provided, single submitter. Criteria: Invitae Variant Classification Sherloc (09022015). Collection method: clinical testing. Allele origin: germline.

PreventionGenetics, part of Exact Sciences
Classification: Likely benign for ACTG1-related condition. Last evaluated: 2019-05-10. Review status: no assertion criteria provided. Collection method: clinical testing. Allele origin: germline. Not counted in ClinVar's aggregate classification.
Comment: This variant is classified as likely benign based on ACMG/AMP sequence variant interpretation guidelines (Richards et al. 2015 PMID: 25741868, with internal and published modifications).